The following is an entry in ClinVar:

NM_000059.4(BRCA2):c.6737C>G (p.Pro2246Arg)

Gene: BRCA2 (BRCA2 DNA repair associated; plus strand). Cytogenetic location: 13q13.1.
Variant type: single nucleotide variant.
Coding change: c.6737C>G on transcript NM_000059.4 (MANE Select); coding-DNA position 6737, C replaced by G.
Protein change: p.Pro2246Arg; replaces proline 2246 with arginine.
Molecular consequence: missense variant.
Genome position (GRCh38, 1-based): chr13:32,341,092, C>G. VCF-style: chr13-32341092-C-G. GRCh37 (hg19) VCF-style: chr13-32915229-C-G.
Other names: short protein forms P2246R.
Identifiers: ClinVar variation 141826 (VCV000141826.28), dbSNP rs587782038, ClinGen allele CA024354.

ClinVar aggregate classification (germline): Conflicting classifications of pathogenicity. Review status: criteria provided, conflicting classifications (1 of 4 stars). 8 submissions from 8 submitters: Uncertain significance (5); Likely benign (3). Last evaluated 2026-05-15.

Conditions:
Hereditary cancer-predisposing syndrome. Also called: Hereditary Cancer Syndrome; Neoplastic Syndromes, Hereditary; Tumor predisposition; Hereditary neoplastic syndrome. Identifiers: Orphanet 140162, MedGen C0027672, MeSH D009386, MONDO:0015356.
Hereditary breast ovarian cancer syndrome. Also called: Breast and ovarian cancer; BRCA1- and BRCA2-Associated Hereditary Breast and Ovarian Cancer; Hereditary breast and ovarian cancer syndrome; Hereditary breast and ovarian cancer; Hereditary breast and ovarian cancer syndrome (HBOC); Hereditary breast and/or ovarian cancer syndrome. Identifiers: Orphanet 145, MedGen C0677776, MeSH D061325, MONDO:0003582. Disease mechanism: loss of function.
Breast-ovarian cancer, familial, susceptibility to, 2 (BROVCA2). Also called: BRCA2 Hereditary Breast and Ovarian Cancer. Identifiers: Orphanet 145, MedGen C2675520, MONDO:0012933, OMIM 612555. Disease mechanism: loss of function.

Allele frequency attached by ClinVar (database versions not stated): gnomAD exomes below 0.00001.
gnomAD v4.1: 3 of 1,613,894 alleles (0.00019%); highest among the groups gnomAD compares: Non-Finnish European, 0.00025%; no homozygotes.

Submissions (8):

Myriad Genetics, Inc.
Classification: Likely benign for Breast-ovarian cancer, familial, susceptibility to, 2. Last evaluated: 2026-05-15. Review status: criteria provided, single submitter. Criteria: Myriad Autosomal Dominant, Autosomal Recessive and X-Linked Classification Criteria (2023). Collection method: clinical testing. Allele origin: unknown.
Comment: This variant is considered likely benign. This variant is strongly associated with less severe personal and family histories of cancer, typical for individuals without pathogenic variants in this gene [PMID: 25085752].

Labcorp Genetics (formerly Invitae), Labcorp
Classification: Likely benign for Hereditary breast ovarian cancer syndrome. Last evaluated: 2026-01-06. Review status: criteria provided, single submitter. Criteria: Invitae Variant Classification Sherloc (09022015). Collection method: clinical testing. Allele origin: germline.

Institute for Biomarker Research, Medical Diagnostic Laboratories, L.L.C.
Classification: Uncertain significance for Hereditary breast ovarian cancer syndrome. Last evaluated: 2025-04-10. Review status: criteria provided, single submitter. Criteria: ACMG Guidelines, 2015. Collection method: clinical testing. Allele origin: germline.
Comment: The missense variant NM_000059.4(BRCA2):c.6737C>G (p.Pro2246Arg) has not been reported previously as a pathogenic variant, to our knowledge. There is a moderate physicochemical difference between proline and arginine. The p.Pro2246Arg variant is not predicted to introduce a novel splice site by any splice site algorithm. The p.Pro2246Arg missense variant is predicted to be tolerated by both SIFT or PolyPhen2. For these reasons, this variant has been classified as Uncertain Significance

Color Diagnostics, LLC DBA Color Health
Classification: Uncertain significance for Hereditary cancer-predisposing syndrome. Last evaluated: 2024-07-08. Review status: criteria provided, single submitter. Criteria: ACMG Guidelines, 2015. Collection method: clinical testing. Allele origin: germline.
Comment: This missense variant replaces proline with arginine at codon 2246 of the BRCA2 protein. Computational prediction suggests that this variant may not impact protein structure and function. To our knowledge, functional studies have not been reported for this variant. This variant has been reported in an individual affected with breast cancer (PMID: 33471991; Leiden Open Variation Database DB-ID BRCA2_008499). This variant has not been identified in the general population by the Genome Aggregation Database (gnomAD). The available evidence is insufficient to determine the role of this variant in disease conclusively. Therefore, this variant is classified as a Variant of Uncertain Significance.

Ambry Genetics
Classification: Uncertain significance for Hereditary cancer-predisposing syndrome. Last evaluated: 2024-05-23. Review status: criteria provided, single submitter. Criteria: Ambry Variant Classification Scheme 2023. Collection method: clinical testing. Allele origin: germline.
Comment: The p.P2246R variant (also known as c.6737C>G), located in coding exon 10 of the BRCA2 gene, results from a C to G substitution at nucleotide position 6737. The proline at codon 2246 is replaced by arginine, an amino acid with dissimilar properties. This alteration was classified as likely benign in a multifactorial model of variant interpretation that incorporates co-segregation, family history, co-occurrence and tumor pathology and case-control data (Parsons MT et al. Hum Mutat, 2019 09;40:1557-1578). This amino acid position is poorly conserved in available vertebrate species. In addition, this alteration is predicted to be tolerated by in silico analysis. Since supporting evidence is limited at this time, the clinical significance of this alteration remains unclear.

All of Us Research Program, National Institutes of Health
Classification: Uncertain significance for Breast-ovarian cancer, familial, susceptibility to, 2. Last evaluated: 2023-12-13. Review status: criteria provided, single submitter. Criteria: ACMG Guidelines, 2015. Collection method: clinical testing. Allele origin: germline. Inheritance: Autosomal dominant inheritance. Observed: 3 variant alleles, 3 heterozygotes.
Comment: This missense variant replaces proline with arginine at codon 2246 of the BRCA2 protein. Computational prediction suggests that this variant may not impact protein structure and function (internally defined REVEL score threshold <= 0.5, PMID: 27666373). To our knowledge, functional studies have not been reported for this variant. This variant has been reported in an individual affected with breast cancer (PMID: 33471991; Leiden Open Variation Database DB-ID BRCA2_008499). This variant has not been identified in the general population by the Genome Aggregation Database (gnomAD). The available evidence is insufficient to determine the role of this variant in disease conclusively. Therefore, this variant is classified as a Variant of Uncertain Significance.

This study involves interpretation of variants in research participants for the purpose of population health screening. Participant phenotype was not available at the time of variant classification. Additional details can be found in publication PMID: 35346344, PMCID: PMC8962531

Quest Diagnostics Nichols Institute San Juan Capistrano
Classification: Uncertain significance. Last evaluated: 2023-12-12. Review status: criteria provided, single submitter. Criteria: Quest Diagnostics criteria. Collection method: clinical testing. Allele origin: unknown.
Comment: The BRCA2 c.6737C>G (p.Pro2246Arg) variant has been reported in the published literature in families, however, the phenotype information was limited (PMID: 31131967 (2019), 31853058 (2020)). This variant has not been reported in large, multi-ethnic general populations (Genome Aggregation Database). Analysis of this variant using bioinformatics tools for the prediction of the effect of amino acid changes on protein structure and function yielded predictions that this variant is benign. Based on the available information, we are unable to determine the clinical significance of this variant.

University of Washington Department of Laboratory Medicine, University of Washington
Classification: Likely benign for Hereditary cancer-predisposing syndrome. Last evaluated: 2023-03-23. Review status: criteria provided, single submitter. Criteria: Dines et al. (Genet Med. 2020). Collection method: curation. Allele origin: germline.
Comment: Missense variant in a coldspot region where missense variants are very unlikely to be pathogenic (PMID:31911673).

BRCA2 exon 11 coldspot. Reclassification based on statistical prior probability.

Literature cited by the submitters: PubMed 25085752 (cited by Myriad Genetics, Inc.); PubMed 33471991 (cited by Color Diagnostics, LLC DBA Color Health and All of Us Research Program, National Institutes of Health); PubMed 31131967 (cited by Ambry Genetics and Quest Diagnostics Nichols Institute San Juan Capistrano); PubMed 31911673 (cited by Quest Diagnostics Nichols Institute San Juan Capistrano); PubMed 31853058 (cited by Quest Diagnostics Nichols Institute San Juan Capistrano).